The following is an entry in ClinVar:

ClinVar aggregate classification (germline): Likely benign. Review status: criteria provided, multiple submitters, no conflicts (2 of 4 stars). 2 submissions from 2 submitters: Likely benign (2). Last evaluated 2024-10-29.

Allele frequency attached by ClinVar (database versions not stated): TOPMed 0.00044; ESP Exome Variant Server 0.00054; ExAC 0.00065; gnomAD exomes 0.00066; gnomAD 0.00074.
gnomAD v4.1: 1,078 of 1,613,964 alleles (0.067%); highest among the groups gnomAD compares: Middle Eastern, 0.15%; 6 homozygotes.

Submissions (2):

Blueprint Genetics
Classification: Likely benign. Last evaluated: 2024-10-29. Review status: criteria provided, single submitter. Criteria: ACMG Guidelines, 2015. Collection method: clinical testing. Allele origin: germline.

CeGaT Center for Human Genetics Tuebingen
Classification: Likely benign. Last evaluated: 2023-04-01. Review status: criteria provided, single submitter. Criteria: CeGaT Center For Human Genetics Tuebingen Variant Classification Criteria Version 2. Collection method: clinical testing. Allele origin: germline. Affected: yes. Observed: 2 variant alleles.
Comment: FLG: BP4, BP7

NM_002016.2(FLG):c.2712C>T (p.Asp904=)

Genes: CCDST (cervical cancer associated DHX9 suppressive transcript; plus strand), FLG (filaggrin; minus strand). Cytogenetic location: 1q21.3.
Variant type: single nucleotide variant.
Coding change: c.2712C>T on transcript NM_002016.2 (MANE Select); coding-DNA position 2712, C replaced by T.
Protein change: p.Asp904=; no amino-acid change (aspartic acid 904 retained).
Molecular consequence: synonymous variant.
Genome position (GRCh38, 1-based): chr1:152,312,174, G>A on the plus strand (C>T on the coding strand, the complement: FLG is on the minus strand). VCF-style: chr1-152312174-G-A. GRCh37 (hg19) VCF-style: chr1-152284650-G-A.
Identifiers: ClinVar variation 2639308 (VCV002639308.25), dbSNP rs150580597, ClinGen allele CA1107036.